The following is an entry in ClinVar:

ClinVar aggregate classification (germline): Likely benign. Review status: criteria provided, multiple submitters, no conflicts (2 of 4 stars). 3 submissions from 3 submitters: Likely benign (3). Last evaluated 2024-07-14.

Conditions:
Dilated cardiomyopathy 1G (CMD1G). Identifiers: Orphanet 154, MedGen C1858763, MONDO:0011400, OMIM 604145.
Autosomal recessive limb-girdle muscular dystrophy type 2J (LGMDR10). Also called: Limb-girdle muscular dystrophy, type 2J; MUSCULAR DYSTROPHY, LIMB-GIRDLE, AUTOSOMAL RECESSIVE 10. Identifiers: Orphanet 140922, MedGen C1837342, MONDO:0012127, OMIM 608807.
Cardiovascular phenotype. Identifiers: MedGen CN230736.

Allele frequency attached by ClinVar (database versions not stated): gnomAD 0.00001; TOPMed 0.00001.

Submissions (3):

Ambry Genetics
Classification: Likely benign for Cardiovascular phenotype. Last evaluated: 2024-07-14. Review status: criteria provided, single submitter. Criteria: Ambry Variant Classification Scheme 2023. Collection method: clinical testing. Allele origin: germline.

Labcorp Genetics (formerly Invitae), Labcorp
Classification: Likely benign for Dilated cardiomyopathy 1G; Autosomal recessive limb-girdle muscular dystrophy type 2J. Last evaluated: 2023-09-10. Review status: criteria provided, single submitter. Criteria: Invitae Variant Classification Sherloc (09022015). Collection method: clinical testing. Allele origin: germline.

GeneDx
Classification: Likely benign. Last evaluated: 2017-06-19. Review status: criteria provided, single submitter. Criteria: GeneDx Variant Classification (06012015). Collection method: clinical testing. Allele origin: germline. Affected: yes.
Comment: This variant is considered likely benign or benign based on one or more of the following criteria: it is a conservative change, it occurs at a poorly conserved position in the protein, it is predicted to be benign by multiple in silico algorithms, and/or has population frequency not consistent with disease.

NM_001267550.2(TTN):c.53154T>C (p.Val17718=)

Genes: TTN-AS1 (TTN antisense RNA 1; plus strand), TTN (titin; minus strand), LOC126806425 (BRD4-independent group 4 enhancer GRCh37_chr2:179471933-179473132; plus strand). Cytogenetic location: 2q31.2.
Variant type: single nucleotide variant.
Coding change: c.53154T>C on transcript NM_001267550.2 (MANE Select); coding-DNA position 53154, T replaced by C.
Protein change: p.Val17718=; no amino-acid change (valine 17718 retained).
Molecular consequence: synonymous variant.
Genome position (GRCh38, 1-based): chr2:178,607,534, A>G on the plus strand (T>C on the coding strand, the complement: TTN is on the minus strand). VCF-style: chr2-178607534-A-G. GRCh37 (hg19) VCF-style: chr2-179472261-A-G.
Other names: c.48231T>C, p.Val16077= (NM_001256850.1); c.25959T>C, p.Val8653= (NM_003319.4); c.45450T>C, p.Val15150= (NM_133378.4); c.26334T>C, p.Val8778= (NM_133432.3); c.26535T>C, p.Val8845= (NM_133437.4).
Identifiers: ClinVar variation 510415 (VCV000510415.11), dbSNP rs990097785, ClinGen allele CA60982555.